The following is an entry in ClinVar:

ClinVar aggregate classification (germline): Uncertain significance (1 of 4 stars; one submission).

gnomAD v4.1: 2 of 1,613,976 alleles (0.00012%); highest among the groups gnomAD compares: Non-Finnish European, 0.00017%; no homozygotes.

Submission:

Labcorp Genetics (formerly Invitae), Labcorp
Classification: Uncertain significance. Last evaluated: 2022-10-17. Review status: criteria provided, single submitter. Criteria: Invitae Variant Classification Sherloc (09022015). Collection method: clinical testing. Allele origin: germline.
Comment: In summary, the available evidence is currently insufficient to determine the role of this variant in disease. Therefore, it has been classified as a Variant of Uncertain Significance. Advanced modeling of protein sequence and biophysical properties (such as structural, functional, and spatial information, amino acid conservation, physicochemical variation, residue mobility, and thermodynamic stability) performed at Invitae indicates that this missense variant is not expected to disrupt SLC46A1 protein function. ClinVar contains an entry for this variant (Variation ID: 1378010). This variant has not been reported in the literature in individuals affected with SLC46A1-related conditions. This variant is not present in population databases (gnomAD no frequency). This sequence change replaces valine, which is neutral and non-polar, with methionine, which is neutral and non-polar, at codon 276 of the SLC46A1 protein (p.Val276Met).

NM_080669.6(SLC46A1):c.826G>A (p.Val276Met)

Gene: SLC46A1 (solute carrier family 46 member 1; minus strand). Cytogenetic location: 17q11.2.
Variant type: single nucleotide variant.
Coding change: c.826G>A on transcript NM_080669.6 (MANE Select); coding-DNA position 826, G replaced by A.
Protein change: p.Val276Met; replaces valine 276 with methionine.
Molecular consequence: missense variant.
Genome position (GRCh38, 1-based): chr17:28,404,871, C>T on the plus strand (G>A on the coding strand, the complement: SLC46A1 is on the minus strand). VCF-style: chr17-28404871-C-T. GRCh37 (hg19) VCF-style: chr17-26731889-C-T.
Other names: c.826G>A, p.Val276Met (NM_001242366.3); short protein forms V276M.
Identifiers: ClinVar variation 1378010 (VCV001378010.6), dbSNP rs2068237519, ClinGen allele CA398348194.
Genomic context (GRCh38, chr17:28,404,871, plus strand): 5'-GTGTGCTTAGTTCATAAAGGGTTAAGATGTCCTGGGCCCCAAAGTGCACAGTGATCACCA[C>T]GAAGATGGCCAGTGAGTAGAGGGCTAAATGTTTCCTGGACTTCTCTGGGGCGGGAGCCAC-3'
Protein context (NP_542400.2, residues 266-286): HLALYSLAIF[Val276Met]VITVHFGAQD